The following is an entry in ClinVar:

NM_013352.4(DSE):c.2508T>G (p.Ile836Met)

Gene: DSE (dermatan sulfate epimerase; plus strand). Cytogenetic location: 6q22.1.
Variant type: single nucleotide variant.
Coding change: c.2508T>G on transcript NM_013352.4 (MANE Select); coding-DNA position 2508, T replaced by G.
Protein change: p.Ile836Met; replaces isoleucine 836 with methionine.
Molecular consequence: missense variant. On other transcripts: 3 prime UTR variant (2), non-coding transcript variant (1).
Genome position (GRCh38, 1-based): chr6:116,436,976, T>G. VCF-style: chr6-116436976-T-G. GRCh37 (hg19) VCF-style: chr6-116758139-T-G.
Other names: c.2508T>G, p.Ile836Met (NM_001080976.3, NM_001322937.2, NM_001322938.2); c.2565T>G, p.Ile855Met (NM_001322939.2); c.1947T>G, p.Ile649Met (NM_001322940.2, NM_001322941.2); c.*1373T>G (NM_001322943.2, NM_001322944.2); c.1509T>G, p.Ile503Met (NM_001374520.1); c.1473T>G, p.Ile491Met (NM_001374521.1); short protein forms I491M, I503M, I649M, I836M, I855M.
Identifiers: ClinVar variation 1723759 (VCV001723759.2), dbSNP rs147927564, ClinGen allele CA3969829.

ClinVar aggregate classification (germline): Uncertain significance (1 of 4 stars; one submission).

Allele frequency attached by ClinVar (database versions not stated): gnomAD exomes below 0.00001; ExAC 0.00003; gnomAD 0.00005; TOPMed 0.00005; ESP Exome Variant Server 0.00008.
gnomAD v4.1: 12 of 1,613,850 alleles (0.00074%); highest among the groups gnomAD compares: African/African-American, 0.011%; no homozygotes.

Submission:

GeneDx
Classification: Uncertain significance. Last evaluated: 2022-05-13. Review status: criteria provided, single submitter. Criteria: GeneDx Variant Classification Process June 2021. Collection method: clinical testing. Allele origin: germline. Affected: yes.
Comment: In silico analysis supports that this missense variant does not alter protein structure/function; Has not been previously published as pathogenic or benign to our knowledge